The following is an entry in ClinVar:

NM_006302.3(MOGS):c.1851T>A (p.His617Gln)

Gene: MOGS (mannosyl-oligosaccharide glucosidase; minus strand). Cytogenetic location: 2p13.1.
Variant type: single nucleotide variant.
Coding change: c.1851T>A on transcript NM_006302.3 (MANE Select); coding-DNA position 1851, T replaced by A.
Protein change: p.His617Gln; replaces histidine 617 with glutamine.
Molecular consequence: missense variant.
Genome position (GRCh38, 1-based): chr2:74,461,938, A>T on the plus strand (T>A on the coding strand, the complement: MOGS is on the minus strand). VCF-style: chr2-74461938-A-T. GRCh37 (hg19) VCF-style: chr2-74689065-A-T.
Other names: c.1851T>A, p.His617Gln (LRG_1226t1); c.1533T>A, p.His511Gln (NM_001146158.2); short protein forms H617Q, H511Q.
Identifiers: ClinVar variation 337106 (VCV000337106.17), dbSNP rs199939051, ClinGen allele CA1724706.

ClinVar aggregate classification (germline): Conflicting classifications of pathogenicity. Review status: criteria provided, conflicting classifications (1 of 4 stars). 4 submissions from 4 submitters: Uncertain significance (1); Likely benign (2). 1 of the submissions does not count toward it. Last evaluated 2026-01-12.

Conditions:
MOGS-related disorder. Also called: MOGS-related condition.
MOGS-congenital disorder of glycosylation. Also called: CDG IIb; GLUCOSIDASE I DEFICIENCY; CDG 2B; MOGS-CDG. Identifiers: Orphanet 79330, MedGen C1853736, MONDO:0011629, OMIM 606056.

Allele frequency attached by ClinVar (database versions not stated): ESP Exome Variant Server 0.00023; TOPMed 0.00025; ExAC 0.00068; gnomAD 0.00074 and 0.00079; gnomAD exomes 0.00081.
gnomAD v4.1: 1,112 of 1,614,002 alleles (0.069%); highest among the groups gnomAD compares: Non-Finnish European, 0.054%; 1 homozygote.

Submissions (4):

Labcorp Genetics (formerly Invitae), Labcorp
Classification: Likely benign for MOGS-congenital disorder of glycosylation. Last evaluated: 2026-01-12. Review status: criteria provided, single submitter. Criteria: Invitae Variant Classification Sherloc (09022015). Collection method: clinical testing. Allele origin: germline.

Blueprint Genetics
Classification: Likely benign. Last evaluated: 2024-11-22. Review status: criteria provided, single submitter. Criteria: ACMG Guidelines, 2015. Collection method: clinical testing. Allele origin: germline.

Center for Genomics, Ann and Robert H. Lurie Children's Hospital of Chicago
Classification: Uncertain significance for MOGS-congenital disorder of glycosylation. Last evaluated: 2021-03-30. Review status: criteria provided, single submitter. Criteria: ACMG Guidelines, 2015. Collection method: clinical testing. Allele origin: germline.
Comment: MOGS NM_006302.2 exon 4 p.His617Gln (c.1851T>A): This variant has not been reported in the literature but is present in 0.5% (147/25782) of Finnish alleles, including 1 homozygote, in the Genome Aggregation Database. This variant is present in ClinVar (Variation ID:337106). This variant amino acid Glutamine (Gln) is present in >30 species and is not well conserved among evolutionarily distant species; this suggests that this variant may not impact the protein. Additional computational prediction tools do not suggest an impact. In summary, data on this variant is insufficient for disease classification. Therefore, the clinical significance of this variant is uncertain.

PreventionGenetics, part of Exact Sciences
Classification: Likely benign for MOGS-related condition. Last evaluated: 2019-11-05. Review status: no assertion criteria provided. Collection method: clinical testing. Allele origin: germline. Not counted in ClinVar's aggregate classification.
Comment: This variant is classified as likely benign based on ACMG/AMP sequence variant interpretation guidelines (Richards et al. 2015 PMID: 25741868, with internal and published modifications).